The following is an entry in ClinVar:

ClinVar aggregate classification (germline): Likely benign. Review status: criteria provided, multiple submitters, no conflicts (2 of 4 stars). 2 submissions from 2 submitters: Likely benign (2). Last evaluated 2025-10-01.

Allele frequency attached by ClinVar (database versions not stated): ESP Exome Variant Server 0.00015; ExAC 0.00016; gnomAD exomes 0.00019 and 0.00024; gnomAD 0.00048; 1000 Genomes Project 0.00060; 1000 Genomes Project 30x 0.00062.
gnomAD v4.1: 430 of 1,612,940 alleles (0.027%); highest among the groups gnomAD compares: African/African-American, 0.045%; 4 homozygotes.

Submissions (2):

CeGaT Center for Human Genetics Tuebingen
Classification: Likely benign. Last evaluated: 2025-10-01. Review status: criteria provided, single submitter. Criteria: CeGaT Center For Human Genetics Tuebingen Variant Classification Criteria Version 2. Collection method: clinical testing. Allele origin: germline. Affected: yes. Observed: 4 variant alleles.
Comment: SORD: BP4, BP7

Blueprint Genetics
Classification: Likely benign. Last evaluated: 2024-09-05. Review status: criteria provided, single submitter. Criteria: ACMG Guidelines, 2015. Collection method: clinical testing. Allele origin: germline.

NM_003104.6(SORD):c.372C>T (p.Pro124=)

Gene: SORD (sorbitol dehydrogenase; plus strand). Cytogenetic location: 15q21.1.
Variant type: single nucleotide variant.
Coding change: c.372C>T on transcript NM_003104.6 (MANE Select); coding-DNA position 372, C replaced by T.
Protein change: p.Pro124=; no amino-acid change (proline 124 retained).
Molecular consequence: synonymous variant. On other transcripts: non-coding transcript variant (1).
Genome position (GRCh38, 1-based): chr15:45,061,173, C>T. VCF-style: chr15-45061173-C-T. GRCh37 (hg19) VCF-style: chr15-45353371-C-T.
Identifiers: ClinVar variation 1012844 (VCV001012844.39), dbSNP rs151103932, ClinGen allele CA7537153.
Genomic context (GRCh38, chr15:45,061,173, plus strand): 5'-ATTCTGCAAGATGGGCCGATACAATCTGTCACCTTCCATCTTCTTCTGTGCCACGCCCCC[C>T]GATGACGGGAACCTCTGCCGGTTCTATAAGCACAATGCAGCCTTTTGTTACAAGTTAGTG-3'
Protein context (NP_003095.2, residues 114-134): SPSIFFCATP[Pro124=]DDGNLCRFYK